The following is an entry in ClinVar:

NM_012293.3(PXDN):c.2224C>T (p.Arg742Trp)

Gene: PXDN (peroxidasin; minus strand). Cytogenetic location: 2p25.3.
Variant type: single nucleotide variant.
Coding change: c.2224C>T on transcript NM_012293.3 (MANE Select); coding-DNA position 2224, C replaced by T.
Protein change: p.Arg742Trp; replaces arginine 742 with tryptophan.
Molecular consequence: missense variant.
Genome position (GRCh38, 1-based): chr2:1,649,556, G>A on the plus strand (C>T on the coding strand, the complement: PXDN is on the minus strand). VCF-style: chr2-1649556-G-A. GRCh37 (hg19) VCF-style: chr2-1653328-G-A.
Other names: short protein forms R742W.
Identifiers: ClinVar variation 4056858 (VCV004056858.1).

ClinVar aggregate classification (germline): Uncertain significance (1 of 4 stars; one submission).

gnomAD v4.1: 6 of 1,614,038 alleles (0.00037%); highest among the groups gnomAD compares: Non-Finnish European, 0.00051%; no homozygotes.

Submission:

GeneDx
Classification: Uncertain significance. Last evaluated: 2025-01-13. Review status: criteria provided, single submitter. Criteria: GeneDx Variant Classification Process June 2021. Collection method: clinical testing. Allele origin: germline. Affected: yes.
Comment: Identified homozygous in an individual who underwent whole genome sequencing; however, no specific clinical information was provided (PMID: 33726816); In silico analysis supports that this missense variant has a deleterious effect on protein structure/function; Not observed at significant frequency in large population cohorts (gnomAD); This variant is associated with the following publications: (PMID: 33726816)